The following is an entry in ClinVar:

NC_012920.1(MT-TH):m.12143T>C

Gene: MT-TH (mitochondrially encoded tRNA histidine; plus strand).
Variant type: single nucleotide variant.
Genome position: chrM-12143-T-C.
Identifiers: ClinVar variation 690131 (VCV000690131.1), dbSNP rs1603223568, ClinGen allele CA913169481.

ClinVar aggregate classification (germline): Uncertain significance (1 of 4 stars; one submission).

Conditions:
MELAS syndrome (MELAS). Also called: Juvenile myopathy, encephalopathy, lactic acidosis, stroke. Identifiers: Orphanet 550, MedGen C0162671, MONDO:0010789, OMIM 540000.

Submission:

Wong Mito Lab, Molecular and Human Genetics, Baylor College of Medicine
Classification: Uncertain significance for MELAS syndrome. Last evaluated: 2019-07-12. Review status: criteria provided, single submitter. Criteria: Modified ACMG Guidelines (Unpublished). Collection method: clinical testing. Allele origin: germline.
Comment: The NC_012920.1:m.12143T>C variant in MT-TH gene is interpreted to be a Unknown Significance variant based on the modified ACMG guidelines (unpublished). This variant meets the following evidence codes reported in the guidelines: PP3, PP7

Literature cited by the submitters: PubMed 31965079.